The following is an entry in ClinVar:

NM_001374736.1(DST):c.2387G>A (p.Arg796Gln)

Gene: DST (dystonin; minus strand). Cytogenetic location: 6p12.1.
Variant type: single nucleotide variant.
Coding change: c.2387G>A on transcript NM_001374736.1 (MANE Select); coding-DNA position 2387, G replaced by A.
Protein change: p.Arg796Gln; replaces arginine 796 with glutamine.
Molecular consequence: missense variant.
Genome position (GRCh38, 1-based): chr6:56,640,246, C>T on the plus strand (G>A on the coding strand, the complement: DST is on the minus strand). VCF-style: chr6-56640246-C-T. GRCh37 (hg19) VCF-style: chr6-56505044-C-T.
Other names: c.2288G>A, p.Arg763Gln (NM_001144769.5); c.1874G>A, p.Arg625Gln (NM_001144770.2); c.2387G>A, p.Arg796Gln (NM_001374722.1); c.1754G>A, p.Arg585Gln (NM_001374729.1, NM_001374730.1, NM_001386100.1 and 1 more transcripts); c.2414G>A, p.Arg805Gln (NM_001374734.1); c.776G>A, p.Arg259Gln (NM_001723.7, NM_015548.5); short protein forms R763Q, R259Q, R625Q, R805Q, R585Q, R796Q.
Identifiers: ClinVar variation 1522957 (VCV001522957.3), dbSNP rs374947342, ClinGen allele CA3871434.

ClinVar aggregate classification (germline): Uncertain significance (1 of 4 stars; one submission).

Conditions:
Hereditary sensory and autonomic neuropathy type 6. Also called: HSAN VI; Neuropathy, hereditary sensory and autonomic, type VI. Identifiers: Orphanet 314381, MedGen C3539003, MONDO:0013839, OMIM 614653.
Epidermolysis bullosa simplex 3, localized or generalized intermediate, with BP230 deficiency (EBS3). Also called: Epidermolysis bullosa simplex due to BP230 deficiency; Epidermolysis bullosa simplex, autosomal recessive 2. Identifiers: Orphanet 412181, MedGen C3809470, MONDO:0014180, OMIM 615425.

Allele frequency attached by ClinVar (database versions not stated): TOPMed 0.00001; gnomAD 0.00002 and 0.00003; gnomAD exomes 0.00004; ExAC 0.00007; 1000 Genomes Project 30x 0.00016; 1000 Genomes Project 0.00020.
gnomAD v4.1: 32 of 1,614,128 alleles (0.002%); highest among the groups gnomAD compares: East Asian, 0.011%; no homozygotes.

Submission:

Labcorp Genetics (formerly Invitae), Labcorp
Classification: Uncertain significance for Epidermolysis bullosa simplex 3, localized or generalized intermediate, with BP230 deficiency; Hereditary sensory and autonomic neuropathy type 6. Last evaluated: 2021-08-12. Review status: criteria provided, single submitter. Criteria: Invitae Variant Classification Sherloc (09022015). Collection method: clinical testing. Allele origin: germline.
Comment: This sequence change replaces arginine with glutamine at codon 259 of the DST protein (p.Arg259Gln). The arginine residue is highly conserved and there is a small physicochemical difference between arginine and glutamine. This variant is present in population databases (rs374947342, ExAC 0.02%). This variant has not been reported in the literature in individuals affected with DST-related conditions. Algorithms developed to predict the effect of missense changes on protein structure and function (SIFT, PolyPhen-2, Align-GVGD) all suggest that this variant is likely to be disruptive. In summary, the available evidence is currently insufficient to determine the role of this variant in disease. Therefore, it has been classified as a Variant of Uncertain Significance.